The following is an entry in ClinVar:

ClinVar aggregate classification (germline): Uncertain significance. Review status: criteria provided, multiple submitters, no conflicts (2 of 4 stars). 4 submissions from 4 submitters: Uncertain significance (4). Last evaluated 2026-03-19.

Conditions:
ANKS6-related disorder. Also called: ANKS6-related condition.
Inborn genetic diseases. Identifiers: MedGen C0950123, MeSH D030342.
Nephronophthisis 16 (NPHP16). Identifiers: Orphanet 655, MedGen C3809320, MONDO:0014158, OMIM 615382.

Allele frequency attached by ClinVar (database versions not stated): gnomAD 0.00001; gnomAD exomes 0.00001 and 0.00002; TOPMed 0.00001; ExAC 0.00002; ESP Exome Variant Server 0.00008.
gnomAD v4.1: 20 of 1,612,142 alleles (0.0012%); highest among the groups gnomAD compares: Non-Finnish European, 0.0017%; no homozygotes.

Submissions (4):

PreventionGenetics, part of Exact Sciences
Classification: Uncertain significance for ANKS6-related condition. Last evaluated: 2026-03-19. Review status: criteria provided, single submitter. Criteria: ACMG Guidelines, 2015. Collection method: clinical testing. Allele origin: germline.
Comment: The ANKS6 c.413A>G variant is predicted to result in the amino acid substitution p.Asn138Ser. To our knowledge, this variant has not been reported in the literature. This variant is reported in 0.0045% of alleles in individuals of European (Non-Finnish) descent in gnomAD. At this time, the clinical significance of this variant is uncertain due to the absence of conclusive functional and genetic evidence.

Ambry Genetics
Classification: Uncertain significance for Inborn genetic diseases. Last evaluated: 2025-04-07. Review status: criteria provided, single submitter. Criteria: Ambry Variant Classification Scheme 2023. Collection method: clinical testing. Allele origin: germline.

Fulgent Genetics
Classification: Uncertain significance for Nephronophthisis 16. Last evaluated: 2022-01-25. Review status: criteria provided, single submitter. Criteria: ACMG Guidelines, 2015. Collection method: clinical testing. Allele origin: unknown.

Labcorp Genetics (formerly Invitae), Labcorp
Classification: Uncertain significance for Nephronophthisis 16. Last evaluated: 2019-07-03. Review status: criteria provided, single submitter. Criteria: Invitae Variant Classification Sherloc (09022015). Collection method: clinical testing. Allele origin: germline.
Comment: In summary, the available evidence is currently insufficient to determine the role of this variant in disease. Therefore, it has been classified as a Variant of Uncertain Significance. Algorithms developed to predict the effect of missense changes on protein structure and function (SIFT, PolyPhen-2, Align-GVGD) all suggest that this variant is likely to be disruptive, but these predictions have not been confirmed by published functional studies and their clinical significance is uncertain. This variant has not been reported in the literature in individuals with ANKS6-related disease. This variant is present in population databases (rs374511363, ExAC 0.003%). This sequence change replaces asparagine with serine at codon 138 of the ANKS6 protein (p.Asn138Ser). The asparagine residue is highly conserved and there is a small physicochemical difference between asparagine and serine.

NM_173551.5(ANKS6):c.413A>G (p.Asn138Ser)

Gene: ANKS6 (ankyrin repeat and sterile alpha motif domain containing 6; minus strand). Cytogenetic location: 9q22.33.
Variant type: single nucleotide variant.
Coding change: c.413A>G on transcript NM_173551.5 (MANE Select); coding-DNA position 413, A replaced by G.
Protein change: p.Asn138Ser; replaces asparagine 138 with serine.
Molecular consequence: missense variant.
Genome position (GRCh38, 1-based): chr9:98,790,553, T>C on the plus strand (A>G on the coding strand, the complement: ANKS6 is on the minus strand). VCF-style: chr9-98790553-T-C. GRCh37 (hg19) VCF-style: chr9-101552835-T-C.
Other names: c.413A>G (NM_173551.3); short protein forms N138S.
Identifiers: ClinVar variation 474452 (VCV000474452.13), dbSNP rs374511363, ClinGen allele CA5153856.
Genomic context (GRCh38, chr9:98,790,553, plus strand): 5'-CCCAGGTGGCCGCCCCGAGAAGCCACAGTGAGCACACTGGCCCCCAGCCGGTTCTGGGCA[T>C]TGACATCAGCCCCGTGATCCAACAGGAGGTGTGCCACACTCACATGCCCAAATCTGCCAG-3'
Protein context (NP_775822.3, residues 128-148): HLLLDHGADV[Asn138Ser]AQNRLGASVL